The following is an entry in ClinVar:

NM_016203.4(PRKAG2):c.1393G>A (p.Glu465Lys)

Gene: PRKAG2 (protein kinase AMP-activated non-catalytic subunit gamma 2; minus strand). Cytogenetic location: 7q36.1.
Variant type: single nucleotide variant.
Coding change: c.1393G>A on transcript NM_016203.4 (MANE Select); coding-DNA position 1393, G replaced by A.
Protein change: p.Glu465Lys; replaces glutamic acid 465 with lysine.
Molecular consequence: missense variant.
Genome position (GRCh38, 1-based): chr7:151,565,726, C>T on the plus strand (G>A on the coding strand, the complement: PRKAG2 is on the minus strand). VCF-style: chr7-151565726-C-T. GRCh37 (hg19) VCF-style: chr7-151262812-C-T.
Other names: c.1261G>A, p.Glu421Lys (NM_001040633.2, NM_001407024.1); c.1018G>A, p.Glu340Lys (NM_001304527.2, NM_001407029.1); c.670G>A, p.Glu224Lys (NM_001304531.2, NM_001407034.1, NM_001407035.1 and 1 more transcripts); c.1021G>A, p.Glu341Lys (NM_001363698.2, NM_001407028.1); c.1393G>A, p.Glu465Lys (NM_001407021.1); c.1390G>A, p.Glu464Lys (NM_001407022.1, NM_001407023.1); c.1258G>A, p.Glu420Lys (NM_001407026.1, NM_001407027.1); c.1105G>A, p.Glu369Lys (NM_001407030.1); and 6 more; short protein forms E359K, E368K, E369K, E420K, E421K, E464K, E465K, E223K.
Identifiers: ClinVar variation 1715081 (VCV001715081.7), dbSNP rs2536295443, ClinGen allele CA370070875.

ClinVar aggregate classification (germline): Uncertain significance. Review status: criteria provided, multiple submitters, no conflicts (2 of 4 stars). 2 submissions from 2 submitters: Uncertain significance (2). Last evaluated 2024-09-06.

Conditions:
Cardiovascular phenotype. Identifiers: MedGen CN230736.
Lethal congenital glycogen storage disease of heart. Also called: GLYCOGEN STORAGE DISEASE OF HEART; PHOSPHORYLASE KINASE DEFICIENCY OF HEART. Identifiers: Orphanet 439854, MedGen C1849813, MONDO:0009867, OMIM 261740.

Submissions (2):

Labcorp Genetics (formerly Invitae), Labcorp
Classification: Uncertain significance for Lethal congenital glycogen storage disease of heart. Last evaluated: 2024-09-06. Review status: criteria provided, single submitter. Criteria: Invitae Variant Classification Sherloc (09022015). Collection method: clinical testing. Allele origin: germline.
Comment: This sequence change replaces glutamic acid, which is acidic and polar, with lysine, which is basic and polar, at codon 465 of the PRKAG2 protein (p.Glu465Lys). This variant is not present in population databases (gnomAD no frequency). This variant has not been reported in the literature in individuals affected with PRKAG2-related conditions. ClinVar contains an entry for this variant (Variation ID: 1715081). Invitae Evidence Modeling of protein sequence and biophysical properties (such as structural, functional, and spatial information, amino acid conservation, physicochemical variation, residue mobility, and thermodynamic stability) indicates that this missense variant is not expected to disrupt PRKAG2 protein function with a negative predictive value of 95%. In summary, the available evidence is currently insufficient to determine the role of this variant in disease. Therefore, it has been classified as a Variant of Uncertain Significance.

Ambry Genetics
Classification: Uncertain significance for Cardiovascular phenotype. Last evaluated: 2021-01-06. Review status: criteria provided, single submitter. Criteria: Ambry Variant Classification Scheme 2023. Collection method: clinical testing. Allele origin: germline.
Comment: The p.E465K variant (also known as c.1393G>A), located in coding exon 12 of the PRKAG2 gene, results from a G to A substitution at nucleotide position 1393. The glutamic acid at codon 465 is replaced by lysine, an amino acid with similar properties. This amino acid position is highly conserved in available vertebrate species. In addition, the in silico prediction for this alteration is inconclusive. Since supporting evidence is limited at this time, the clinical significance of this alteration remains unclear.